The following is an entry in ClinVar:

NM_018444.4(PDP1):c.803C>T (p.Ala268Val)

Gene: PDP1 (pyruvate dehydrogenase phosphatase catalytic subunit 1; plus strand). Cytogenetic location: 8q22.1.
Variant type: single nucleotide variant.
Coding change: c.803C>T on transcript NM_018444.4 (MANE Select); coding-DNA position 803, C replaced by T.
Protein change: p.Ala268Val; replaces alanine 268 with valine.
Molecular consequence: missense variant.
Genome position (GRCh38, 1-based): chr8:93,922,862, C>T. VCF-style: chr8-93922862-C-T. GRCh37 (hg19) VCF-style: chr8-94935090-C-T.
Other names: c.878C>T, p.Ala293Val (NM_001161779.2, NM_001161780.2); c.803C>T, p.Ala268Val (NM_001161781.2); short protein forms A268V, A293V.
Identifiers: ClinVar variation 1489443 (VCV001489443.6), dbSNP rs2130387865, ClinGen allele CA371694285.

ClinVar aggregate classification (germline): Uncertain significance (1 of 4 stars; one submission).

Allele frequency attached by ClinVar (database versions not stated): gnomAD exomes below 0.00001.
gnomAD v4.1: 1 of 1,614,204 alleles (0.000062%); highest among the groups gnomAD compares: Non-Finnish European, 0.000085%; no homozygotes.

Submission:

Labcorp Genetics (formerly Invitae), Labcorp
Classification: Uncertain significance. Last evaluated: 2021-09-09. Review status: criteria provided, single submitter. Criteria: Invitae Variant Classification Sherloc (09022015). Collection method: clinical testing. Allele origin: germline.
Comment: This sequence change replaces alanine with valine at codon 268 of the PDP1 protein (p.Ala268Val). The alanine residue is highly conserved and there is a small physicochemical difference between alanine and valine. This variant is not present in population databases (ExAC no frequency). This variant has not been reported in the literature in individuals affected with PDP1-related conditions. Algorithms developed to predict the effect of missense changes on protein structure and function (SIFT, PolyPhen-2, Align-GVGD) all suggest that this variant is likely to be disruptive. Algorithms developed to predict the effect of sequence changes on RNA splicing suggest that this variant may create or strengthen a splice site. In summary, the available evidence is currently insufficient to determine the role of this variant in disease. Therefore, it has been classified as a Variant of Uncertain Significance.